The following is an entry in ClinVar:

NM_000760.4(CSF3R):c.581T>C (p.Leu194Pro)

Gene: CSF3R (colony stimulating factor 3 receptor; minus strand). Cytogenetic location: 1p34.3.
Variant type: single nucleotide variant.
Coding change: c.581T>C on transcript NM_000760.4 (MANE Select); coding-DNA position 581, T replaced by C.
Protein change: p.Leu194Pro; replaces leucine 194 with proline.
Molecular consequence: missense variant.
Genome position (GRCh38, 1-based): chr1:36,473,527, A>G on the plus strand (T>C on the coding strand, the complement: CSF3R is on the minus strand). VCF-style: chr1-36473527-A-G. GRCh37 (hg19) VCF-style: chr1-36939128-A-G.
Other names: c.581T>C, p.Leu194Pro (NM_156039.3, NM_172313.3); short protein forms L194P.
Identifiers: ClinVar variation 2062421 (VCV002062421.4), dbSNP rs753171126, ClinGen allele CA769427.
Genomic context (GRCh38, chr1:36,473,527, plus strand): 5'-GACATGCTGGTCCCCAGCGCATTCTCTGCCTGCACCCAGATGCCCATATTCTGGTACAAC[A>G]GCAGGTGTTTGCGTGGGATGCAGCAGTGGCTCTGCCCGTCCTTGGGCACGCAGTCCAGGA-3'
Protein context (NP_000751.1, residues 184-204): SHCCIPRKHL[Leu194Pro]LYQNMGIWVQ

ClinVar aggregate classification (germline): Uncertain significance (1 of 4 stars; one submission).

Conditions:
Autosomal recessive severe congenital neutropenia due to CSF3R deficiency. Also called: Neutropenia, severe congenital, 7, autosomal recessive. Identifiers: Orphanet 420702, MedGen C4310764, MONDO:0014865, OMIM 617014.

Allele frequency attached by ClinVar (database versions not stated): ExAC 0.00001; gnomAD exomes 0.00001; gnomAD 0.00002; TOPMed 0.00002.
gnomAD v4.1: 9 of 1,614,078 alleles (0.00056%); highest among the groups gnomAD compares: Non-Finnish European, 0.00068%; no homozygotes.

Submission:

Labcorp Genetics (formerly Invitae), Labcorp
Classification: Uncertain significance for Autosomal recessive severe congenital neutropenia due to CSF3R deficiency. Last evaluated: 2026-01-17. Review status: criteria provided, single submitter. Criteria: Invitae Variant Classification Sherloc (09022015). Collection method: clinical testing. Allele origin: germline.
Comment: This sequence change replaces leucine, which is neutral and non-polar, with proline, which is neutral and non-polar, at codon 194 of the CSF3R protein (p.Leu194Pro). This variant is present in population databases (rs753171126, gnomAD 0.002%). This variant has not been reported in the literature in individuals affected with CSF3R-related conditions. ClinVar contains an entry for this variant (Variation ID: 2062421). Invitae Evidence Modeling of protein sequence and biophysical properties (such as structural, functional, and spatial information, amino acid conservation, physicochemical variation, residue mobility, and thermodynamic stability) indicates that this missense variant is not expected to disrupt CSF3R protein function with a negative predictive value of 80%. In summary, the available evidence is currently insufficient to determine the role of this variant in disease. Therefore, it has been classified as a Variant of Uncertain Significance.